The following is an entry in ClinVar:

NM_002202.3(ISL1):c.219-7C>T

Gene: ISL1 (ISL LIM homeobox 1; plus strand). Cytogenetic location: 5q11.1.
Variant type: single nucleotide variant.
Coding change: c.219-7C>T on transcript NM_002202.3 (MANE Select); 7 bases into the intron before coding-DNA position 219, C replaced by T.
Molecular consequence: intron variant.
Genome position (GRCh38, 1-based): chr5:51,387,483, C>T. VCF-style: chr5-51387483-C-T. GRCh37 (hg19) VCF-style: chr5-50683317-C-T.
Identifiers: ClinVar variation 3350550 (VCV003350550.1).

ClinVar aggregate classification (germline): Likely benign (0 of 4 stars; one submission).

Conditions:
ISL1-related disorder. Also called: ISL1-related condition.

gnomAD v4.1: 2 of 1,613,892 alleles (0.00012%); highest among the groups gnomAD compares: Non-Finnish European, 0.00017%; no homozygotes.

Submission:

PreventionGenetics, part of Exact Sciences
Classification: Likely benign for ISL1-related condition. Last evaluated: 2022-08-17. Review status: no assertion criteria provided. Collection method: clinical testing. Allele origin: germline.
Comment: This variant is classified as likely benign based on ACMG/AMP sequence variant interpretation guidelines (Richards et al. 2015 PMID: 25741868, with internal and published modifications).